The following is an entry in ClinVar:

NM_144670.6(A2ML1):c.86C>A (p.Ala29Asp)

Genes: A2ML1 (alpha-2-macroglobulin like 1; plus strand), A2ML1-AS1 (A2ML1 antisense RNA 1; minus strand). Cytogenetic location: 12p13.31.
Variant type: single nucleotide variant.
Coding change: c.86C>A on transcript NM_144670.6 (MANE Select); coding-DNA position 86, C replaced by A.
Protein change: p.Ala29Asp; replaces alanine 29 with aspartic acid.
Molecular consequence: missense variant.
Genome position (GRCh38, 1-based): chr12:8,823,205, C>A. VCF-style: chr12-8823205-C-A. GRCh37 (hg19) VCF-style: chr12-8975801-C-A.
Other names: short protein forms A29D.
Identifiers: ClinVar variation 406195 (VCV000406195.9), dbSNP rs202006422, ClinGen allele CA6435165.

ClinVar aggregate classification (germline): Uncertain significance (1 of 4 stars; one submission).

Allele frequency attached by ClinVar (database versions not stated): ESP Exome Variant Server 0.00017; gnomAD 0.00017; ExAC 0.00010; TOPMed 0.00012; gnomAD exomes 0.00016.
gnomAD v4.1: 307 of 1,613,780 alleles (0.019%); highest among the groups gnomAD compares: Non-Finnish European, 0.026%; no homozygotes.

Submission:

Labcorp Genetics (formerly Invitae), Labcorp
Classification: Uncertain significance. Last evaluated: 2025-08-30. Review status: criteria provided, single submitter. Criteria: Invitae Variant Classification Sherloc (09022015). Collection method: clinical testing. Allele origin: germline.
Comment: This sequence change replaces alanine, which is neutral and non-polar, with aspartic acid, which is acidic and polar, at codon 29 of the A2ML1 protein (p.Ala29Asp). This variant is present in population databases (rs202006422, gnomAD 0.04%). This variant has not been reported in the literature in individuals affected with A2ML1-related conditions. ClinVar contains an entry for this variant (Variation ID: 406195). An algorithm developed to predict the effect of missense changes on protein structure and function (PolyPhen-2) suggests that this variant is likely to be disruptive. In summary, the available evidence is currently insufficient to determine the role of this variant in disease. Therefore, it has been classified as a Variant of Uncertain Significance.